The following is an entry in ClinVar:

ClinVar aggregate classification (germline): Uncertain significance (1 of 4 stars; one submission).

Conditions:
Hereditary cancer-predisposing syndrome. Also called: Neoplastic Syndromes, Hereditary; Tumor predisposition; Hereditary Cancer Syndrome; Hereditary neoplastic syndrome. Identifiers: Orphanet 140162, MedGen C0027672, MeSH D009386, MONDO:0015356.

Submission:

Ambry Genetics
Classification: Uncertain significance for Hereditary cancer-predisposing syndrome. Last evaluated: 2019-10-28. Review status: criteria provided, single submitter. Criteria: Ambry Variant Classification Scheme 2023. Collection method: clinical testing. Allele origin: germline.
Comment: The p.G385R variant (also known as c.1153G>A), located in coding exon 6 of the RET gene, results from a G to A substitution at nucleotide position 1153. The glycine at codon 385 is replaced by arginine, an amino acid with dissimilar properties. This amino acid position is highly conserved in available vertebrate species. In addition, the in silico prediction for this alteration is inconclusive. Since supporting evidence is limited at this time, the clinical significance of this alteration remains unclear.

NM_020975.6(RET):c.1153G>A (p.Gly385Arg)

Gene: RET (ret proto-oncogene; plus strand). Cytogenetic location: 10q11.21.
Variant type: single nucleotide variant.
Coding change: c.1153G>A on transcript NM_020975.6 (MANE Select); coding-DNA position 1153, G replaced by A.
Protein change: p.Gly385Arg; replaces glycine 385 with arginine.
Molecular consequence: missense variant.
Genome position (GRCh38, 1-based): chr10:43,109,120, G>A. VCF-style: chr10-43109120-G-A. GRCh37 (hg19) VCF-style: chr10-43604568-G-A.
Other names: c.1153G>A, p.Gly385Arg (NM_000323.2, NM_001406743.1, NM_001406744.1 and 6 more transcripts); c.391G>A, p.Gly131Arg (NM_001355216.2); c.1024G>A, p.Gly342Arg (NM_001406761.1, NM_001406762.1, NM_001406764.1 and 1 more transcripts); c.865G>A, p.Gly289Arg (NM_001406766.1, NM_001406767.1, NM_001406770.1); c.715G>A, p.Gly239Arg (NM_001406771.1, NM_001406773.1); c.427G>A, p.Gly143Arg (NM_001406775.1, NM_001406776.1, NM_001406777.1 and 1 more transcripts); c.163G>A, p.Gly55Arg (NM_001406784.1); short protein forms G289R, G342R, G385R, G131R, G143R, G239R, G55R.
Identifiers: ClinVar variation 1734719 (VCV001734719.2), dbSNP rs2538424625, ClinGen allele CA376547515.
Genomic context (GRCh38, chr10:43,109,120, plus strand): 5'-TCGGAGAACCGCACCATGCAGCTGGCGGTGCTGGTCAATGACTCAGACTTCCAGGGCCCA[G>A]GAGCGGGCGTCCTCTTGCTCCACTTCAACGTGTCGGTGCTGCCGGTCAGCCTGCACCTGC-3'
Protein context (NP_066124.1, residues 375-395): LVNDSDFQGP[Gly385Arg]AGVLLLHFNV